The following is an entry in ClinVar:

ClinVar aggregate classification (germline): Uncertain significance (1 of 4 stars; one submission).

Allele frequency attached by ClinVar (database versions not stated): gnomAD exomes 0.00002; TOPMed 0.00002; gnomAD 0.00001.
gnomAD v4.1: 24 of 1,613,928 alleles (0.0015%); highest among the groups gnomAD compares: Non-Finnish European, 0.002%; no homozygotes.

Submission:

Labcorp Genetics (formerly Invitae), Labcorp
Classification: Uncertain significance. Last evaluated: 2023-09-10. Review status: criteria provided, single submitter. Criteria: Invitae Variant Classification Sherloc (09022015). Collection method: clinical testing. Allele origin: germline.
Comment: In summary, the available evidence is currently insufficient to determine the role of this variant in disease. Therefore, it has been classified as a Variant of Uncertain Significance. An algorithm developed to predict the effect of missense changes on protein structure and function (PolyPhen-2) suggests that this variant is likely to be disruptive. ClinVar contains an entry for this variant (Variation ID: 999449). This variant has not been reported in the literature in individuals affected with PLA2G5-related conditions. This variant is not present in population databases (gnomAD no frequency). This sequence change replaces tyrosine, which is neutral and polar, with asparagine, which is neutral and polar, at codon 86 of the PLA2G5 protein (p.Tyr86Asn).

NM_000929.3(PLA2G5):c.256T>A (p.Tyr86Asn)

Gene: PLA2G5 (phospholipase A2 group V; plus strand). Cytogenetic location: 1p36.13.
Variant type: single nucleotide variant.
Coding change: c.256T>A on transcript NM_000929.3 (MANE Select); coding-DNA position 256, T replaced by A.
Protein change: p.Tyr86Asn; replaces tyrosine 86 with asparagine.
Molecular consequence: missense variant.
Genome position (GRCh38, 1-based): chr1:20,089,859, T>A. VCF-style: chr1-20089859-T-A. GRCh37 (hg19) VCF-style: chr1-20416352-T-A.
Other names: short protein forms Y86N.
Identifiers: ClinVar variation 999449 (VCV000999449.6), dbSNP rs1461362985, ClinGen allele CA338822015.